The following is an entry in ClinVar:

ClinVar aggregate classification (germline): Conflicting classifications of pathogenicity. Review status: criteria provided, conflicting classifications (1 of 4 stars). 3 submissions from 3 submitters: Uncertain significance (2); Likely benign (1). Last evaluated 2026-01-16.

Conditions:
Hereditary cancer-predisposing syndrome. Also called: Hereditary neoplastic syndrome; Neoplastic Syndromes, Hereditary; Tumor predisposition; Hereditary Cancer Syndrome. Identifiers: Orphanet 140162, MedGen C0027672, MeSH D009386, MONDO:0015356.
Microcephaly, normal intelligence and immunodeficiency (NBS). Also called: IMMUNODEFICIENCY, MICROCEPHALY, AND CHROMOSOMAL INSTABILITY; SEEMANOVA SYNDROME II; Nijmegen breakage syndrome; Microcephaly with normal intelligence immunodeficiency and lymphoreticular malignancies; Nonsyndromal microcephaly autosomal recessive with normal intelligence; Seemanova syndrome 2. Identifiers: Orphanet 647, MedGen C0398791, MONDO:0009623, OMIM 251260.

Allele frequency attached by ClinVar (database versions not stated): gnomAD exomes below 0.00001; ExAC 0.00001.

Submissions (3):

Labcorp Genetics (formerly Invitae), Labcorp
Classification: Uncertain significance for Microcephaly, normal intelligence and immunodeficiency. Last evaluated: 2026-01-16. Review status: criteria provided, single submitter. Criteria: Invitae Variant Classification Sherloc (09022015). Collection method: clinical testing. Allele origin: germline.
Comment: This sequence change replaces asparagine, which is neutral and polar, with histidine, which is basic and polar, at codon 419 of the NBN protein (p.Asn419His). This variant is present in population databases (rs730881849, gnomAD 0.006%). This missense change has been observed in individual(s) with endometrial cancer (PMID: 27443514). ClinVar contains an entry for this variant (Variation ID: 461497). An algorithm developed to predict the effect of missense changes on protein structure and function outputs the following: PolyPhen-2: "Benign". The histidine amino acid residue is found in multiple mammalian species, which suggests that this missense change does not adversely affect protein function. In summary, the available evidence is currently insufficient to determine the role of this variant in disease. Therefore, it has been classified as a Variant of Uncertain Significance.

Ambry Genetics
Classification: Likely benign for Hereditary cancer-predisposing syndrome. Last evaluated: 2024-03-27. Review status: criteria provided, single submitter. Criteria: Ambry Variant Classification Scheme 2023. Collection method: clinical testing. Allele origin: germline.

Genome-Nilou Lab
Classification: Uncertain significance for Microcephaly, normal intelligence and immunodeficiency. Last evaluated: 2021-11-07. Review status: criteria provided, single submitter. Criteria: ACMG Guidelines, 2015. Collection method: clinical testing. Allele origin: germline. Affected: no.

Literature cited by the submitters: PubMed 27443514 (cited by Labcorp Genetics (formerly Invitae), Labcorp and Ambry Genetics).

NM_002485.5(NBN):c.1255A>C (p.Asn419His)

Gene: NBN (nibrin; minus strand). Cytogenetic location: 8q21.3.
Variant type: single nucleotide variant.
Coding change: c.1255A>C on transcript NM_002485.5 (MANE Select); coding-DNA position 1255, A replaced by C.
Protein change: p.Asn419His; replaces asparagine 419 with histidine.
Molecular consequence: missense variant.
Genome position (GRCh38, 1-based): chr8:89,955,425, T>G on the plus strand (A>C on the coding strand, the complement: NBN is on the minus strand). VCF-style: chr8-89955425-T-G. GRCh37 (hg19) VCF-style: chr8-90967653-T-G.
Other names: c.1009A>C, p.Asn337His (NM_001024688.3); short protein forms N419H, N337H.
Identifiers: ClinVar variation 461497 (VCV000461497.13), dbSNP rs730881849, ClinGen allele CA4802771.